The following is an entry in ClinVar:

NM_018017.4(CCDC186):c.1237_1242del (p.Leu413_Lys414del)

Gene: CCDC186 (coiled-coil domain containing 186; minus strand). Cytogenetic location: 10q25.3.
Variant type: Deletion.
Coding change: c.1237_1242del on transcript NM_018017.4 (MANE Select); coding-DNA positions 1237 to 1242, 6 bases deleted (CTCAAA; older notation c.1237_1242delCTCAAA).
Protein change: p.Leu413_Lys414del.
Molecular consequence: inframe deletion. On other transcripts: non-coding transcript variant (1).
Genome position (GRCh38, 1-based): chr10:114,137,270-114,137,275, TTTGAG deleted on the plus strand (CTCAAA on the coding strand, the reverse complement: CCDC186 is on the minus strand); deleting any 6 consecutive bases within chr10:114,137,270-114,137,278 gives the same sequence; the c. name uses the placement nearest the transcript's 3' end. VCF-style (leftmost placement, unchanged base first): chr10-114137269-CTTTGAG-C. GRCh37 (hg19) VCF-style: chr10-115897028-CTTTGAG-C.
Other names: c.1237_1242del, p.Leu413_Lys414del (NM_001321829.1).
Identifiers: ClinVar variation 3342520 (VCV003342520.1).

ClinVar aggregate classification (germline): Uncertain significance (1 of 4 stars; one submission).

Submission:

GeneDx
Classification: Uncertain significance. Last evaluated: 2022-05-23. Review status: criteria provided, single submitter. Criteria: GeneDx Variant Classification Process June 2021. Collection method: clinical testing. Allele origin: germline. Affected: yes.
Comment: Not observed at significant frequency in large population cohorts (gnomAD); In-frame deletion of 2 amino acids in a non-repeat region; In silico analysis supports a deleterious effect on protein structure/function; Has not been previously published as pathogenic or benign to our knowledge; Variants in candidate genes are classified as variants of uncertain significance in accordance with ACMG guidelines (Richards et al., 2015)